The following is an entry in ClinVar:

ClinVar aggregate classification (germline): Benign. Review status: criteria provided, multiple submitters, no conflicts (2 of 4 stars). 3 submissions from 3 submitters: Benign (2). 1 of the submissions does not count toward it. Last evaluated 2019-12-31.

Conditions:
ADAM22-related disorder. Also called: ADAM22-related condition.

Allele frequency attached by ClinVar (database versions not stated): ESP Exome Variant Server 0.00042; gnomAD exomes 0.00098 and 0.00470; gnomAD 0.00134 and 0.00135; 1000 Genomes Project 0.00240; 1000 Genomes Project 30x 0.00250; TOPMed 0.00262; ExAC 0.00416.
gnomAD v4.1: 1,618 of 1,613,436 alleles (0.1%); highest among the groups gnomAD compares: Admixed American, 2.2%; 34 homozygotes.

Submissions (3):

Labcorp Genetics (formerly Invitae), Labcorp
Classification: Benign. Last evaluated: 2019-12-31. Review status: criteria provided, single submitter. Criteria: Invitae Variant Classification Sherloc (09022015). Collection method: clinical testing. Allele origin: germline.

Breakthrough Genomics
Classification: Benign. Review status: criteria provided, single submitter. Criteria: ACMG Guidelines, 2015. Collection method: not provided. Allele origin: germline. Inheritance: Autosomal recessive inheritance. Affected: yes.

PreventionGenetics, part of Exact Sciences
Classification: Benign for ADAM22-related condition. Last evaluated: 2019-05-14. Review status: no assertion criteria provided. Collection method: clinical testing. Allele origin: germline. Not counted in ClinVar's aggregate classification.
Comment: This variant is classified as benign based on ACMG/AMP sequence variant interpretation guidelines (Richards et al. 2015 PMID: 25741868, with internal and published modifications).

NM_001324418.2(ADAM22):c.581A>C (p.Glu194Ala)

Gene: ADAM22 (ADAM metallopeptidase domain 22; plus strand). Cytogenetic location: 7q21.12.
Variant type: single nucleotide variant.
Coding change: c.581A>C on transcript NM_001324418.2 (MANE Select); coding-DNA position 581, A replaced by C.
Protein change: p.Glu194Ala; replaces glutamic acid 194 with alanine.
Molecular consequence: missense variant.
Genome position (GRCh38, 1-based): chr7:88,116,788, A>C. VCF-style: chr7-88116788-A-C. GRCh37 (hg19) VCF-style: chr7-87746103-A-C.
Other names: c.578A>C, p.Glu193Ala (NM_001324417.2, NM_001324419.2, NM_001391978.1 and 2 more transcripts); c.581A>C, p.Glu194Ala (NM_001324420.2, NM_001324421.2, NM_001391976.1 and 6 more transcripts); c.632A>C, p.Glu211Ala (NM_001391975.1, NM_001391980.1, NM_001391982.1); short protein forms E194A, E193A, E211A.
Identifiers: ClinVar variation 773215 (VCV000773215.7), dbSNP rs61753550, ClinGen allele CA4330247.